The following is an entry in ClinVar:

NM_001083619.3(GRIA2):c.805T>C (p.Leu269=)

Gene: GRIA2 (glutamate ionotropic receptor AMPA type subunit 2; plus strand). Cytogenetic location: 4q32.1.
Variant type: single nucleotide variant.
Coding change: c.805T>C on transcript NM_001083619.3 (MANE Select); coding-DNA position 805, T replaced by C.
Protein change: p.Leu269=; no amino-acid change (leucine 269 retained).
Molecular consequence: synonymous variant.
Genome position (GRCh38, 1-based): chr4:157,321,522, T>C. VCF-style: chr4-157321522-T-C. GRCh37 (hg19) VCF-style: chr4-158242674-T-C.
Other names: c.805T>C, p.Leu269= (NM_000826.6); c.664T>C, p.Leu222= (NM_001083620.3, NM_001379000.3, NM_001379001.3).
Identifiers: ClinVar variation 722703 (VCV000722703.10), dbSNP rs78266960, ClinGen allele CA3120255.

ClinVar aggregate classification (germline): Benign/Likely benign. Review status: criteria provided, multiple submitters, no conflicts (2 of 4 stars). 4 submissions from 4 submitters: Benign (2); Likely benign (2). Last evaluated 2026-05-01.

Allele frequency attached by ClinVar (database versions not stated): gnomAD exomes 0.00023 and 0.00059; ExAC 0.00073; gnomAD 0.00254 and 0.00262; ESP Exome Variant Server 0.00284; TOPMed 0.00288; 1000 Genomes Project 0.00419; 1000 Genomes Project 30x 0.00453.
gnomAD v4.1: 731 of 1,606,536 alleles (0.046%); highest among the groups gnomAD compares: African/African-American, 0.88%; 1 homozygote.

Submissions (4):

CeGaT Center for Human Genetics Tuebingen
Classification: Likely benign. Last evaluated: 2026-05-01. Review status: criteria provided, single submitter. Criteria: CeGaT Center For Human Genetics Tuebingen Variant Classification Criteria Version 2. Collection method: clinical testing. Allele origin: germline. Affected: yes. Observed: 4 variant alleles.
Comment: GRIA2: BP4, BP7

Blueprint Genetics
Classification: Likely benign. Last evaluated: 2024-10-22. Review status: criteria provided, single submitter. Criteria: ACMG Guidelines, 2015. Collection method: clinical testing. Allele origin: germline.

Labcorp Genetics (formerly Invitae), Labcorp
Classification: Benign. Last evaluated: 2019-12-31. Review status: criteria provided, single submitter. Criteria: Invitae Variant Classification Sherloc (09022015). Collection method: clinical testing. Allele origin: germline.

Breakthrough Genomics
Classification: Benign. Review status: criteria provided, single submitter. Criteria: ACMG Guidelines, 2015. Collection method: not provided. Allele origin: germline. Inheritance: Autosomal dominant inheritance. Affected: yes.